The following is an entry in ClinVar:

NM_005883.3(APC2):c.5784G>A (p.Val1928=)

Genes: APC2 (APC regulator of Wnt signaling pathway 2; plus strand), LOC130062956 (ATAC-STARR-seq lymphoblastoid silent region 9718; plus strand). Cytogenetic location: 19p13.3.
Variant type: single nucleotide variant.
Coding change: c.5784G>A on transcript NM_005883.3 (MANE Select); coding-DNA position 5784, G replaced by A.
Protein change: p.Val1928=; no amino-acid change (valine 1928 retained).
Molecular consequence: synonymous variant.
Genome position (GRCh38, 1-based): chr19:1,469,085, G>A. VCF-style: chr19-1469085-G-A. GRCh37 (hg19) VCF-style: chr19-1469084-G-A.
Other names: c.5781G>A, p.Val1927= (NM_001351273.1).
Identifiers: ClinVar variation 2648932 (VCV002648932.24), dbSNP rs2084083313, ClinGen allele CA504898455.

ClinVar aggregate classification (germline): Likely benign (1 of 4 stars; one submission).

Allele frequency attached by ClinVar (database versions not stated): gnomAD exomes below 0.00001.
gnomAD v4.1: 2 of 1,501,966 alleles (0.00013%); highest among the groups gnomAD compares: Non-Finnish European, 0.00018%; no homozygotes.

Submission:

CeGaT Center for Human Genetics Tuebingen
Classification: Likely benign. Last evaluated: 2022-06-01. Review status: criteria provided, single submitter. Criteria: CeGaT Center For Human Genetics Tuebingen Variant Classification Criteria Version 2. Collection method: clinical testing. Allele origin: germline. Affected: yes. Observed: 1 variant allele.
Comment: APC2: PM2:Supporting, BP4, BP7